The following is an entry in ClinVar:

NM_000152.5(GAA):c.240A>G (p.Thr80=)

Gene: GAA (alpha glucosidase; plus strand). Cytogenetic location: 17q25.3.
Variant type: single nucleotide variant.
Coding change: c.240A>G on transcript NM_000152.5 (MANE Select); coding-DNA position 240, A replaced by G.
Protein change: p.Thr80=; no amino-acid change (threonine 80 retained).
Molecular consequence: synonymous variant.
Genome position (GRCh38, 1-based): chr17:80,104,826, A>G. VCF-style: chr17-80104826-A-G. GRCh37 (hg19) VCF-style: chr17-78078625-A-G.
Other names: c.240A>G (NM_000152.4); c.240A>G, p.Thr80= (NM_001079803.3, NM_001079804.3).
Identifiers: ClinVar variation 740639 (VCV000740639.15), dbSNP rs778124725, ClinGen allele CA8814820.

ClinVar aggregate classification (germline): Likely benign. Review status: criteria provided, multiple submitters, no conflicts (2 of 4 stars). 4 submissions from 4 submitters: Likely benign (3). 1 of the submissions does not count toward it. Last evaluated 2025-06-16.

Conditions:
Glycogen storage disease, type II (IOPD). Also called: Glucosidase acid-1,4-alpha deficiency; CARDIOMEGALIA GLYCOGENICA DIFFUSA; GLYCOGENOSIS, GENERALIZED, CARDIAC FORM; GSD II; Deficiency of lysosomal alpha-glucosidase; Pompe Disease. Identifiers: Orphanet 365, MedGen C0017921, MONDO:0009290, OMIM 232300.
GAA-related disorder. Also called: GAA-related condition.
Cardiovascular phenotype. Identifiers: MedGen CN230736.

Allele frequency attached by ClinVar (database versions not stated): ExAC 0.00001; gnomAD exomes 0.00002.
gnomAD v4.1: 10 of 1,612,524 alleles (0.00062%); highest among the groups gnomAD compares: Non-Finnish European, 0.00076%; no homozygotes.

Submissions (4):

Ambry Genetics
Classification: Likely benign for Cardiovascular phenotype. Last evaluated: 2025-06-16. Review status: criteria provided, single submitter. Criteria: Ambry Variant Classification Scheme 2023. Collection method: clinical testing. Allele origin: germline.

Labcorp Genetics (formerly Invitae), Labcorp
Classification: Likely benign for Glycogen storage disease, type II. Last evaluated: 2024-11-24. Review status: criteria provided, single submitter. Criteria: Invitae Variant Classification Sherloc (09022015). Collection method: clinical testing. Allele origin: germline.

Blueprint Genetics
Classification: Likely benign. Last evaluated: 2024-10-14. Review status: criteria provided, single submitter. Criteria: ACMG Guidelines, 2015. Collection method: clinical testing. Allele origin: germline.

PreventionGenetics, part of Exact Sciences
Classification: Likely benign for GAA-related condition. Last evaluated: 2021-03-24. Review status: no assertion criteria provided. Collection method: clinical testing. Allele origin: germline. Not counted in ClinVar's aggregate classification.
Comment: This variant is classified as likely benign based on ACMG/AMP sequence variant interpretation guidelines (Richards et al. 2015 PMID: 25741868, with internal and published modifications).